The following is an entry in ClinVar:

NM_002354.3(EPCAM):c.761A>T (p.Glu254Val)

Gene: EPCAM (epithelial cell adhesion molecule; plus strand). Cytogenetic location: 2p21.
Variant type: single nucleotide variant.
Coding change: c.761A>T on transcript NM_002354.3 (MANE Select); coding-DNA position 761, A replaced by T.
Protein change: p.Glu254Val; replaces glutamic acid 254 with valine.
Molecular consequence: missense variant.
Genome position (GRCh38, 1-based): chr2:47,379,872, A>T. VCF-style: chr2-47379872-A-T. GRCh37 (hg19) VCF-style: chr2-47607011-A-T.
Other names: short protein forms E254V.
Identifiers: ClinVar variation 1759833 (VCV001759833.2), dbSNP rs771063031, ClinGen allele CA1649152.

ClinVar aggregate classification (germline): Uncertain significance (1 of 4 stars; one submission).

Conditions:
Hereditary cancer-predisposing syndrome. Also called: Neoplastic Syndromes, Hereditary; Tumor predisposition; Hereditary Cancer Syndrome; Hereditary neoplastic syndrome. Identifiers: Orphanet 140162, MedGen C0027672, MeSH D009386, MONDO:0015356.

Allele frequency attached by ClinVar (database versions not stated): ExAC 0.00001.
gnomAD v4.1: 1 of 1,614,208 alleles (0.000062%); highest among the groups gnomAD compares: East Asian, 0.0022%; no homozygotes.

Submission:

Ambry Genetics
Classification: Uncertain significance for Hereditary cancer-predisposing syndrome. Last evaluated: 2022-09-30. Review status: criteria provided, single submitter. Criteria: Ambry Variant Classification Scheme 2023. Collection method: clinical testing. Allele origin: germline.
Comment: The p.E254V variant (also known as c.761A>T), located in coding exon 7 of the EPCAM gene, results from an A to T substitution at nucleotide position 761. The glutamic acid at codon 254 is replaced by valine, an amino acid with dissimilar properties. This amino acid position is conserved. In addition, the in silico prediction for this alteration is inconclusive. Since supporting evidence is limited at this time, the clinical significance of this alteration remains unclear.